The following is an entry in ClinVar:

NM_001040716.2(PC):c.3288+16G>C

Gene: PC (pyruvate carboxylase; minus strand). Cytogenetic location: 11q13.2.
Variant type: single nucleotide variant.
Coding change: c.3288+16G>C on transcript NM_001040716.2 (MANE Select); 16 bases into the intron after coding-DNA position 3288, G replaced by C.
Molecular consequence: intron variant.
Genome position (GRCh38, 1-based): chr11:66,849,214, C>G on the plus strand (G>C on the coding strand, the complement: PC is on the minus strand). VCF-style: chr11-66849214-C-G. GRCh37 (hg19) VCF-style: chr11-66616685-C-G.
Other names: c.3288+16G>C (NM_000920.4, NM_022172.3).
Identifiers: ClinVar variation 679539 (VCV000679539.1), dbSNP rs1591110269, ClinGen allele CA915948250.

ClinVar aggregate classification (germline): Likely benign (1 of 4 stars; one submission).

Allele frequency attached by ClinVar (database versions not stated): gnomAD exomes below 0.00001.
gnomAD v4.1: 3 of 1,613,804 alleles (0.00019%); highest among the groups gnomAD compares: Non-Finnish European, 0.00025%; no homozygotes.

Submission:

GeneDx
Classification: Likely benign. Last evaluated: 2018-04-30. Review status: criteria provided, single submitter. Criteria: GeneDx Variant Classification (06012015). Collection method: clinical testing. Allele origin: germline. Affected: yes.
Comment: This variant is considered likely benign or benign based on one or more of the following criteria: it is a conservative change, it occurs at a poorly conserved position in the protein, it is predicted to be benign by multiple in silico algorithms, and/or has population frequency not consistent with disease.